The following is an entry in ClinVar:

NM_001379659.1(ZNF142):c.1459C>T (p.Arg487Cys)

Gene: ZNF142 (zinc finger protein 142; minus strand). Cytogenetic location: 2q35.
Variant type: single nucleotide variant.
Coding change: c.1459C>T on transcript NM_001379659.1 (MANE Select); coding-DNA position 1459, C replaced by T.
Protein change: p.Arg487Cys; replaces arginine 487 with cysteine.
Molecular consequence: missense variant.
Genome position (GRCh38, 1-based): chr2:218,649,049, G>A on the plus strand (C>T on the coding strand, the complement: ZNF142 is on the minus strand). VCF-style: chr2-218649049-G-A. GRCh37 (hg19) VCF-style: chr2-219513772-G-A.
Other names: c.370C>T, p.Arg124Cys (NM_001366288.3, NM_001366289.3, NM_001366287.3); c.1459C>T, p.Arg487Cys (NM_001366290.3, NM_001379660.1, NM_001379661.1); c.859C>T, p.Arg287Cys (NM_001366291.3, NM_001105537.5, NM_001379662.1); short protein forms R124C, R287C, R487C.
Identifiers: ClinVar variation 3194084 (VCV003194084.2), dbSNP rs376830215, ClinGen allele CA2109373.

ClinVar aggregate classification (germline): Uncertain significance. Review status: criteria provided, multiple submitters, no conflicts (2 of 4 stars). 2 submissions from 2 submitters: Uncertain significance (2). Last evaluated 2025-03-13.

Conditions:
Inborn genetic diseases. Identifiers: MedGen C0950123, MeSH D030342.

Allele frequency attached by ClinVar (database versions not stated): 1000 Genomes Project 0.00020; 1000 Genomes Project 30x 0.00016.
gnomAD v4.1: 75 of 1,613,614 alleles (0.0046%); highest among the groups gnomAD compares: Admixed American, 0.042%; no homozygotes.

Submissions (2):

GeneDx
Classification: Uncertain significance. Last evaluated: 2025-03-13. Review status: criteria provided, single submitter. Criteria: GeneDx Variant Classification Process June 2021. Collection method: clinical testing. Allele origin: germline. Affected: yes.
Comment: In silico analysis indicates that this missense variant does not alter protein structure/function; Has not been previously published as pathogenic or benign to our knowledge

Ambry Genetics
Classification: Uncertain significance for Inborn genetic diseases. Last evaluated: 2022-04-07. Review status: criteria provided, single submitter. Criteria: Ambry Variant Classification Scheme 2023. Collection method: clinical testing. Allele origin: germline.